The following is an entry in ClinVar:

ClinVar aggregate classification (germline): Pathogenic (1 of 4 stars; one submission).

Conditions:
Breast-ovarian cancer, familial, susceptibility to, 2 (BROVCA2). Also called: BRCA2 Hereditary Breast and Ovarian Cancer. Identifiers: Orphanet 145, MedGen C2675520, MONDO:0012933, OMIM 612555. Disease mechanism: loss of function.

Submission:

Myriad Genetics, Inc.
Classification: Pathogenic for Breast-ovarian cancer, familial, susceptibility to, 2. Last evaluated: 2026-01-12. Review status: criteria provided, single submitter. Criteria: Myriad Autosomal Dominant, Autosomal Recessive and X-Linked Classification Criteria (2023). Collection method: clinical testing. Allele origin: unknown.
Comment: This variant is considered pathogenic. This variant creates a termination codon and is predicted to result in premature protein truncation.

NM_000059.4(BRCA2):c.695dup (p.Tyr232Ter)

Gene: BRCA2 (BRCA2 DNA repair associated; plus strand). Cytogenetic location: 13q13.1.
Variant type: Duplication.
Coding change: c.695dup on transcript NM_000059.4 (MANE Select); coding-DNA position 695, one base duplicated (A; older notation c.695dupA).
Protein change: p.Tyr232Ter; replaces tyrosine 232 with a stop codon.
Molecular consequence: nonsense. On other transcripts: non-coding transcript variant (1).
Genome position (GRCh38, 1-based): chr13:32,330,932, A duplicated. VCF-style (leftmost placement, unchanged base first): chr13-32330931-T-TA. GRCh37 (hg19) VCF-style: chr13-32905068-T-TA.
Other names: c.695dup, p.Tyr232Ter (NM_001406719.1, NM_001406720.1, NM_001406721.1 and 1 more transcripts); c.326dup, p.Tyr109Ter (NM_001406722.1); short protein forms Y109*, Y232*.
Identifiers: ClinVar variation 4856713 (VCV004856713.1).
Genomic context (GRCh38, chr13:32,330,931, plus strand): 5'-TGCATTGAGAGTTTTTATACTAGTGATTTTAAACTATAATTTTTGCAGAATGTGAAAAGC[T>TA]ATTTTTCCAATCATGATGAAAGTCTGAAGAAAAATGATAGATTTATCGCTTCTGTGACAG-3'